The following is an entry in ClinVar:

NM_000081.4(LYST):c.8480A>G (p.Lys2827Arg)

Gene: LYST (lysosomal trafficking regulator; minus strand). Cytogenetic location: 1q42.3.
Variant type: single nucleotide variant.
Coding change: c.8480A>G on transcript NM_000081.4 (MANE Select); coding-DNA position 8480, A replaced by G.
Protein change: p.Lys2827Arg; replaces lysine 2827 with arginine.
Molecular consequence: missense variant.
Genome position (GRCh38, 1-based): chr1:235,734,538, T>C on the plus strand (A>G on the coding strand, the complement: LYST is on the minus strand). VCF-style: chr1-235734538-T-C. GRCh37 (hg19) VCF-style: chr1-235897838-T-C.
Other names: c.8480A>G, p.Lys2827Arg (NM_001301365.1); short protein forms K2827R.
Identifiers: ClinVar variation 1946240 (VCV001946240.2), dbSNP rs1424931059, ClinGen allele CA344920913.
Genomic context (GRCh38, chr1:235,734,538, plus strand): 5'-CTCACCTCTTTGATCATTTTAATAAGGTCTGCTTTTGTTGATGCACTGGGAGGGATGCAC[T>C]TGTGACCACATAACTTCAAAGCATTCATAAGCAGTTCTGCTGTGCCTAGCTCTTCTTCAG-3'
Protein context (NP_000072.2, residues 2817-2837): LMNALKLCGH[Lys2827Arg]CIPPSASTKA

ClinVar aggregate classification (germline): Uncertain significance (1 of 4 stars; one submission).

Conditions:
Chédiak-Higashi syndrome (CHS). Also called: Chediak-Higashi Syndrome. Identifiers: Orphanet 167, MedGen C0007965, MONDO:0008963, OMIM 214500.

Allele frequency attached by ClinVar (database versions not stated): gnomAD exomes below 0.00001; TOPMed below 0.00001.
gnomAD v4.1: 1 of 1,613,760 alleles (0.000062%); highest among the groups gnomAD compares: Non-Finnish European, 0.000085%; no homozygotes.

Submission:

Labcorp Genetics (formerly Invitae), Labcorp
Classification: Uncertain significance for Chédiak-Higashi syndrome. Last evaluated: 2022-06-21. Review status: criteria provided, single submitter. Criteria: Invitae Variant Classification Sherloc (09022015). Collection method: clinical testing. Allele origin: germline.
Comment: This sequence change replaces lysine, which is basic and polar, with arginine, which is basic and polar, at codon 2827 of the LYST protein (p.Lys2827Arg). This variant is not present in population databases (gnomAD no frequency). This variant has not been reported in the literature in individuals affected with LYST-related conditions. Algorithms developed to predict the effect of missense changes on protein structure and function output the following: SIFT: "Tolerated"; PolyPhen-2: "Benign"; Align-GVGD: "Class C0". The arginine amino acid residue is found in multiple mammalian species, which suggests that this missense change does not adversely affect protein function. In summary, the available evidence is currently insufficient to determine the role of this variant in disease. Therefore, it has been classified as a Variant of Uncertain Significance.